The following is an entry in ClinVar:

ClinVar aggregate classification (germline): Uncertain significance (1 of 4 stars; one submission).

Conditions:
Juvenile nephropathic cystinosis. Also called: Intermediate Cystinosis; Later-Onset (Juvenile) Cystinosis; CYSTINOSIS, LATE-ONSET JUVENILE OR ADOLESCENT NEPHROPATHIC TYPE. Identifiers: Orphanet 213, Orphanet 411634, MedGen C0268626, MONDO:0009066, OMIM 219900.
Inborn genetic diseases. Identifiers: MedGen C0950123, MeSH D030342.
Ocular cystinosis. Also called: Non-Nephropathic Cystinosis; Non-Nephropathic (Ocular) Cystinosis. Identifiers: Orphanet 213, Orphanet 411641, MedGen C2931013, MONDO:0009064, OMIM 219750.

Allele frequency attached by ClinVar (database versions not stated): TOPMed below 0.00001; gnomAD 0.00001.
gnomAD v4.1: 2 of 1,613,902 alleles (0.00012%); highest among the groups gnomAD compares: Non-Finnish European, 0.000085%; no homozygotes.

Submission:

Labcorp Genetics (formerly Invitae), Labcorp
Classification: Uncertain significance for Inborn genetic diseases; Ocular cystinosis; Juvenile nephropathic cystinosis. Last evaluated: 2024-01-29. Review status: criteria provided, single submitter. Criteria: Invitae Variant Classification Sherloc (09022015). Collection method: clinical testing. Allele origin: germline.
Comment: This sequence change replaces isoleucine, which is neutral and non-polar, with threonine, which is neutral and polar, at codon 2 of the CTNS protein (p.Ile2Thr). This variant is not present in population databases (gnomAD no frequency). This variant has not been reported in the literature in individuals affected with CTNS-related conditions. ClinVar contains an entry for this variant (Variation ID: 1358167). Advanced modeling of protein sequence and biophysical properties (such as structural, functional, and spatial information, amino acid conservation, physicochemical variation, residue mobility, and thermodynamic stability) performed at Invitae indicates that this missense variant is not expected to disrupt CTNS protein function with a negative predictive value of 95%. In summary, the available evidence is currently insufficient to determine the role of this variant in disease. Therefore, it has been classified as a Variant of Uncertain Significance.

NM_004937.3(CTNS):c.5T>C (p.Ile2Thr)

Gene: CTNS (cystinosin, lysosomal cystine transporter; plus strand). Cytogenetic location: 17p13.2.
Variant type: single nucleotide variant.
Coding change: c.5T>C on transcript NM_004937.3 (MANE Select); coding-DNA position 5, T replaced by C.
Protein change: p.Ile2Thr; replaces isoleucine 2 with threonine.
Molecular consequence: missense variant. On other transcripts: 5 prime UTR variant (2), intron variant (2).
Genome position (GRCh38, 1-based): chr17:3,640,211, T>C. VCF-style: chr17-3640211-T-C. GRCh37 (hg19) VCF-style: chr17-3543505-T-C.
Other names: c.5T>C, p.Ile2Thr (NM_001031681.3, NM_001374492.1); c.-352T>C (NM_001374493.1); c.-273T>C (NM_001374495.1); c.-381+2895T>C (NM_001374494.1); c.-296+2895T>C (NM_001374496.1); short protein forms I2T.
Identifiers: ClinVar variation 1358167 (VCV001358167.10), dbSNP rs768188337, ClinGen allele CA397686168.